The following is an entry in ClinVar:

ClinVar aggregate classification (germline): Uncertain significance (1 of 4 stars; one submission).

Allele frequency attached by ClinVar (database versions not stated): gnomAD exomes below 0.00001; TOPMed below 0.00001.
gnomAD v4.1: 1 of 1,611,026 alleles (0.000062%); highest among the groups gnomAD compares: Non-Finnish European, 0.000085%; no homozygotes.

Submission:

Labcorp Genetics (formerly Invitae), Labcorp
Classification: Uncertain significance. Last evaluated: 2024-09-17. Review status: criteria provided, single submitter. Criteria: Invitae Variant Classification Sherloc (09022015). Collection method: clinical testing. Allele origin: germline.
Comment: This sequence change replaces arginine, which is basic and polar, with threonine, which is neutral and polar, at codon 766 of the SETD5 protein (p.Arg766Thr). This variant is not present in population databases (gnomAD no frequency). This variant has not been reported in the literature in individuals affected with SETD5-related conditions. ClinVar contains an entry for this variant (Variation ID: 1501288). Invitae Evidence Modeling of protein sequence and biophysical properties (such as structural, functional, and spatial information, amino acid conservation, physicochemical variation, residue mobility, and thermodynamic stability) indicates that this missense variant is not expected to disrupt SETD5 protein function with a negative predictive value of 80%. In summary, the available evidence is currently insufficient to determine the role of this variant in disease. Therefore, it has been classified as a Variant of Uncertain Significance.

NM_001080517.3(SETD5):c.2297G>C (p.Arg766Thr)

Gene: SETD5 (SET domain containing 5; plus strand). Cytogenetic location: 3p25.3.
Variant type: single nucleotide variant.
Coding change: c.2297G>C on transcript NM_001080517.3 (MANE Select); coding-DNA position 2297, G replaced by C.
Protein change: p.Arg766Thr; replaces arginine 766 with threonine.
Molecular consequence: missense variant.
Genome position (GRCh38, 1-based): chr3:9,448,581, G>C. VCF-style: chr3-9448581-G-C. GRCh37 (hg19) VCF-style: chr3-9490265-G-C.
Other names: c.2003G>C, p.Arg668Thr (NM_001292043.2, NM_001349451.2); short protein forms R668T, R766T.
Identifiers: ClinVar variation 1501288 (VCV001501288.8), dbSNP rs2042273456, ClinGen allele CA351701836.